The following is an entry in ClinVar:

ClinVar aggregate classification (germline): Uncertain significance (1 of 4 stars; one submission).

Submission:

GeneDx
Classification: Uncertain significance. Last evaluated: 2025-03-23. Review status: criteria provided, single submitter. Criteria: GeneDx Variant Classification Process June 2021. Collection method: clinical testing. Allele origin: germline. Affected: yes.
Comment: Not observed at significant frequency in large population cohorts (gnomAD); Frameshift variant predicted to result in abnormal protein length as the last 823 amino acids are replaced with 19 different amino acids; Has not been previously published as pathogenic or benign to our knowledge

NM_020754.4(ARHGAP31):c.1864dup (p.Glu622fs)

Gene: ARHGAP31 (Rho GTPase activating protein 31; plus strand). Cytogenetic location: 3q13.33.
Variant type: Duplication.
Coding change: c.1864dup on transcript NM_020754.4 (MANE Select); coding-DNA position 1864, one base duplicated (G; older notation c.1864dupG).
Protein change: p.Glu622fs; shifts the reading frame from glutamic acid 622.
Molecular consequence: frameshift variant.
Genome position (GRCh38, 1-based): chr3:119,409,714, G duplicated; the last of 2 consecutive G bases (chr3:119,409,713-119,409,714); duplicating either gives the same sequence. VCF-style (leftmost placement, unchanged base first): chr3-119409712-T-TG. GRCh37 (hg19) VCF-style: chr3-119128559-T-TG.
Other names: short protein forms E622fs.
Identifiers: ClinVar variation 1333031 (VCV001333031.3), dbSNP rs2107644687, ClinGen allele CA2573052059.